The following is an entry in ClinVar:

ClinVar aggregate classification (germline): Uncertain significance (1 of 4 stars; one submission).

Conditions:
Hepatic veno-occlusive disease-immunodeficiency syndrome. Also called: Hepatic Veno-Occlusive Disease with Immunodeficiency. Identifiers: Orphanet 79124, MedGen C1856128, MONDO:0009338, OMIM 235550. Disease mechanism: loss of function.

Allele frequency attached by ClinVar (database versions not stated): gnomAD exomes below 0.00001; TOPMed below 0.00001; gnomAD 0.00001.
gnomAD v4.1: 2 of 1,612,260 alleles (0.00012%); highest among the groups gnomAD compares: East Asian, 0.0022%; no homozygotes.

Submission:

Labcorp Genetics (formerly Invitae), Labcorp
Classification: Uncertain significance for Hepatic veno-occlusive disease-immunodeficiency syndrome. Last evaluated: 2026-01-19. Review status: criteria provided, single submitter. Criteria: Invitae Variant Classification Sherloc (09022015). Collection method: clinical testing. Allele origin: germline.
Comment: This sequence change replaces isoleucine, which is neutral and non-polar, with threonine, which is neutral and polar, at codon 351 of the SP110 protein (p.Ile351Thr). This variant is present in population databases (no rsID available, gnomAD 0.003%). This variant has not been reported in the literature in individuals affected with SP110-related conditions. ClinVar contains an entry for this variant (Variation ID: 2100212). An algorithm developed to predict the effect of missense changes on protein structure and function outputs the following: PolyPhen-2: "Possibly Damaging". The threonine amino acid residue is found in multiple mammalian species, which suggests that this missense change does not adversely affect protein function. In summary, the available evidence is currently insufficient to determine the role of this variant in disease. Therefore, it has been classified as a Variant of Uncertain Significance.

NM_080424.4(SP110):c.1052T>C (p.Ile351Thr)

Genes: SP110 (SP110 nuclear body protein; minus strand), SP140 (SP140 nuclear body protein; plus strand). Cytogenetic location: 2q37.1.
Variant type: single nucleotide variant.
Coding change: c.1052T>C on transcript NM_080424.4 (MANE Select); coding-DNA position 1052, T replaced by C.
Protein change: p.Ile351Thr; replaces isoleucine 351 with threonine.
Molecular consequence: missense variant.
Genome position (GRCh38, 1-based): chr2:230,200,962, A>G on the plus strand (T>C on the coding strand, the complement: SP110 is on the minus strand). VCF-style: chr2-230200962-A-G. GRCh37 (hg19) VCF-style: chr2-231065678-A-G.
Other names: c.1070T>C, p.Ile357Thr (NM_001185015.2, NM_001378442.1, NM_001378444.1 and 2 more transcripts); c.1052T>C, p.Ile351Thr (NM_001378443.1, NM_004509.5, NM_004510.4); c.902T>C, p.Ile301Thr (NM_001378447.1); short protein forms I301T, I357T, I351T.
Identifiers: ClinVar variation 2100212 (VCV002100212.4), dbSNP rs1420369454, ClinGen allele CA350910884.